The following is an entry in ClinVar:

ClinVar aggregate classification (germline): Uncertain significance (1 of 4 stars; one submission).

Submission:

GeneDx
Classification: Uncertain significance. Last evaluated: 2022-05-16. Review status: criteria provided, single submitter. Criteria: GeneDx Variant Classification Process June 2021. Collection method: clinical testing. Allele origin: germline. Affected: yes.
Comment: Not observed at significant frequency in large population cohorts (gnomAD); In silico analysis supports that this missense variant has a deleterious effect on protein structure/function; Has not been previously published as pathogenic or benign to our knowledge; This variant is associated with the following publications: (PMID: 14633923)

NM_020975.6(RET):c.2567G>C (p.Trp856Ser)

Gene: RET (ret proto-oncogene; plus strand). Cytogenetic location: 10q11.21.
Variant type: single nucleotide variant.
Coding change: c.2567G>C on transcript NM_020975.6 (MANE Select); coding-DNA position 2567, G replaced by C.
Protein change: p.Trp856Ser; replaces tryptophan 856 with serine.
Molecular consequence: missense variant.
Genome position (GRCh38, 1-based): chr10:43,119,705, G>C. VCF-style: chr10-43119705-G-C. GRCh37 (hg19) VCF-style: chr10-43615153-G-C.
Other names: c.2567G>C, p.Trp856Ser (NM_000323.2, NM_001406743.1, NM_001406744.1 and 4 more transcripts); c.1805G>C, p.Trp602Ser (NM_001355216.2); c.2438G>C, p.Trp813Ser (NM_001406761.1, NM_001406762.1, NM_001406764.1); c.2432G>C, p.Trp811Ser (NM_001406763.1, NM_001406765.1); c.2279G>C, p.Trp760Ser (NM_001406766.1, NM_001406767.1, NM_001406770.1); c.2303G>C, p.Trp768Ser (NM_001406768.1); c.2171G>C, p.Trp724Ser (NM_001406769.1, NM_001406772.1); c.2129G>C, p.Trp710Ser (NM_001406771.1, NM_001406773.1); and 10 more; short protein forms W373S, W421S, W461S, W512S, W514S, W517S, W526S, W557S.
Identifiers: ClinVar variation 1800643 (VCV001800643.1), dbSNP rs1300842975, ClinGen allele CA376556630.